The following is an entry in ClinVar:

NM_002524.5(NRAS):c.562G>T (p.Val188Leu)

Gene: NRAS (NRAS proto-oncogene, GTPase; minus strand). Cytogenetic location: 1p13.2.
Variant type: single nucleotide variant.
Coding change: c.562G>T on transcript NM_002524.5 (MANE Select); coding-DNA position 562, G replaced by T.
Protein change: p.Val188Leu; replaces valine 188 with leucine.
Molecular consequence: missense variant.
Genome position (GRCh38, 1-based): chr1:114,708,543, C>A on the plus strand (G>T on the coding strand, the complement: NRAS is on the minus strand). VCF-style: chr1-114708543-C-A. GRCh37 (hg19) VCF-style: chr1-115251164-C-A.
Other names: short protein forms V188L.
Identifiers: ClinVar variation 1349748 (VCV001349748.6), dbSNP rs730880381, ClinGen allele CA341738346.

ClinVar aggregate classification (germline): Uncertain significance (1 of 4 stars; one submission).

Conditions:
RASopathy. Also called: rasopathies; Noonan spectrum disorder. Identifiers: Orphanet 536391, MedGen C5555857, MONDO:0021060.

Submission:

Labcorp Genetics (formerly Invitae), Labcorp
Classification: Uncertain significance for RASopathy. Last evaluated: 2021-11-05. Review status: criteria provided, single submitter. Criteria: Invitae Variant Classification Sherloc (09022015). Collection method: clinical testing. Allele origin: germline.
Comment: This sequence change replaces valine, which is neutral and non-polar, with leucine, which is neutral and non-polar, at codon 188 of the NRAS protein (p.Val188Leu). This variant is not present in population databases (gnomAD no frequency). This variant has not been reported in the literature in individuals affected with NRAS-related conditions. Advanced modeling of protein sequence and biophysical properties (such as structural, functional, and spatial information, amino acid conservation, physicochemical variation, residue mobility, and thermodynamic stability) performed at Invitae indicates that this missense variant is not expected to disrupt NRAS protein function. In summary, the available evidence is currently insufficient to determine the role of this variant in disease. Therefore, it has been classified as a Variant of Uncertain Significance.